The following is an entry in ClinVar:

NM_024675.4(PALB2):c.10C>A (p.Pro4Thr)

Gene: PALB2 (partner and localizer of BRCA2; minus strand). Cytogenetic location: 16p12.2.
Variant type: single nucleotide variant.
Coding change: c.10C>A on transcript NM_024675.4 (MANE Select); coding-DNA position 10, C replaced by A.
Protein change: p.Pro4Thr; replaces proline 4 with threonine.
Molecular consequence: missense variant.
Genome position (GRCh38, 1-based): chr16:23,641,148, G>T on the plus strand (C>A on the coding strand, the complement: PALB2 is on the minus strand). VCF-style: chr16-23641148-G-T. GRCh37 (hg19) VCF-style: chr16-23652469-G-T.
Other names: short protein forms P4T.
Identifiers: ClinVar variation 582378 (VCV000582378.9), dbSNP rs587782483, ClinGen allele CA395141222.

ClinVar aggregate classification (germline): Uncertain significance (1 of 4 stars; one submission).

Conditions:
Familial cancer of breast. Also called: Hereditary breast cancer; hereditary breast carcinoma; BREAST CANCER, FAMILIAL. Identifiers: Orphanet 227535, MedGen C0346153, MONDO:0016419, OMIM 114480. Disease mechanism: loss of function.

Submission:

Labcorp Genetics (formerly Invitae), Labcorp
Classification: Uncertain significance for Familial cancer of breast. Last evaluated: 2025-07-30. Review status: criteria provided, single submitter. Criteria: Invitae Variant Classification Sherloc (09022015). Collection method: clinical testing. Allele origin: germline.
Comment: This sequence change replaces proline, which is neutral and non-polar, with threonine, which is neutral and polar, at codon 4 of the PALB2 protein (p.Pro4Thr). This variant is not present in population databases (gnomAD no frequency). This variant has not been reported in the literature in individuals affected with PALB2-related conditions. ClinVar contains an entry for this variant (Variation ID: 582378). An algorithm developed to predict the effect of missense changes on protein structure and function (PolyPhen-2) suggests that this variant is likely to be disruptive. In summary, the available evidence is currently insufficient to determine the role of this variant in disease. Therefore, it has been classified as a Variant of Uncertain Significance.